The following is an entry in ClinVar:

NM_025179.4(PLXNA2):c.5598G>C (p.Gly1866=)

Gene: PLXNA2 (plexin A2; minus strand). Cytogenetic location: 1q32.2.
Variant type: single nucleotide variant.
Coding change: c.5598G>C on transcript NM_025179.4 (MANE Select); coding-DNA position 5598, G replaced by C.
Protein change: p.Gly1866=; no amino-acid change (glycine 1866 retained).
Molecular consequence: synonymous variant.
Genome position (GRCh38, 1-based): chr1:208,027,330, C>G on the plus strand (G>C on the coding strand, the complement: PLXNA2 is on the minus strand). VCF-style: chr1-208027330-C-G. GRCh37 (hg19) VCF-style: chr1-208200675-C-G.
Other names: c.5598G>C (NM_025179.3).
Identifiers: ClinVar variation 2712708 (VCV002712708.5), dbSNP rs138665170, ClinGen allele CA1372513.

ClinVar aggregate classification (germline): Likely benign. Review status: criteria provided, single submitter (1 of 4 stars). 2 submissions from 2 submitters: Likely benign (1). 1 of the submissions does not count toward it. Last evaluated 2025-03-20.

Conditions:
PLXNA2-related disorder. Also called: PLXNA2-related condition.

Allele frequency attached by ClinVar (database versions not stated): 1000 Genomes Project 0.00020; 1000 Genomes Project 30x 0.00031; gnomAD 0.00036; ESP Exome Variant Server 0.00038; TOPMed 0.00057.
gnomAD v4.1: 115 of 1,612,688 alleles (0.0071%); highest among the groups gnomAD compares: African/African-American, 0.13%; 1 homozygote.

Submissions (2):

Labcorp Genetics (formerly Invitae), Labcorp
Classification: Likely benign. Last evaluated: 2025-03-20. Review status: criteria provided, single submitter. Criteria: Invitae Variant Classification Sherloc (09022015). Collection method: clinical testing. Allele origin: germline.

PreventionGenetics, part of Exact Sciences
Classification: Likely benign for PLXNA2-related condition. Last evaluated: 2021-07-04. Review status: no assertion criteria provided. Collection method: clinical testing. Allele origin: germline. Not counted in ClinVar's aggregate classification.
Comment: This variant is classified as likely benign based on ACMG/AMP sequence variant interpretation guidelines (Richards et al. 2015 PMID: 25741868, with internal and published modifications).